The following is an entry in ClinVar:

NM_005732.4(RAD50):c.2794A>C (p.Lys932Gln)

Gene: RAD50 (RAD50 double strand break repair protein; plus strand). Cytogenetic location: 5q31.1.
Variant type: single nucleotide variant.
Coding change: c.2794A>C on transcript NM_005732.4 (MANE Select); coding-DNA position 2794, A replaced by C.
Protein change: p.Lys932Gln; replaces lysine 932 with glutamine.
Molecular consequence: missense variant.
Genome position (GRCh38, 1-based): chr5:132,608,690, A>C. VCF-style: chr5-132608690-A-C. GRCh37 (hg19) VCF-style: chr5-131944382-A-C.
Other names: short protein forms K932Q.
Identifiers: ClinVar variation 3786288 (VCV003786288.1).
Genomic context (GRCh38, chr5:132,608,690, plus strand): 5'-GTAAGCCCTTTGGAAACAACATTGGAAAAGTTCCAGCAAGAAAAAGAAGAATTAATCAAC[A>C]AAAAAAATACAAGCAACAAAATAGCACAGGATAAAGTAAGATTTCATTTATATATTTACT-3'
Protein context (NP_005723.2, residues 922-942): FQQEKEELIN[Lys932Gln]KNTSNKIAQD

ClinVar aggregate classification (germline): Uncertain significance (1 of 4 stars; one submission).

Conditions:
Hereditary cancer-predisposing syndrome. Also called: Neoplastic Syndromes, Hereditary; Hereditary Cancer Syndrome; Tumor predisposition; Hereditary neoplastic syndrome. Identifiers: Orphanet 140162, MedGen C0027672, MeSH D009386, MONDO:0015356.

Submission:

Ambry Genetics
Classification: Uncertain significance for Hereditary cancer-predisposing syndrome. Last evaluated: 2024-12-22. Review status: criteria provided, single submitter. Criteria: Ambry Variant Classification Scheme 2023. Collection method: clinical testing. Allele origin: germline.
Comment: The p.K932Q variant (also known as c.2794A>C), located in coding exon 17 of the RAD50 gene, results from an A to C substitution at nucleotide position 2794. The lysine at codon 932 is replaced by glutamine, an amino acid with similar properties. This amino acid position is conserved. In addition, this alteration is predicted to be tolerated by in silico analysis. Based on the available evidence, the clinical significance of this variant remains unclear.